The following is an entry in ClinVar:

ClinVar aggregate classification (germline): Uncertain significance (1 of 4 stars; one submission).

Submission:

GeneDx
Classification: Uncertain significance. Last evaluated: 2024-12-06. Review status: criteria provided, single submitter. Criteria: GeneDx Variant Classification Process June 2021. Collection method: clinical testing. Allele origin: germline. Affected: yes.
Comment: Not observed at significant frequency in large population cohorts (gnomAD); In silico analysis indicates that this missense variant does not alter protein structure/function; Has not been previously published as pathogenic or benign to our knowledge.

NM_002168.4(IDH2):c.56C>A (p.Pro19Gln)

Genes: IDH2 (isocitrate dehydrogenase (NADP(+)) 2; minus strand), IDH2-DT (IDH2 divergent transcript; plus strand). Cytogenetic location: 15q26.1.
Variant type: single nucleotide variant.
Coding change: c.56C>A on transcript NM_002168.4 (MANE Select); coding-DNA position 56, C replaced by A.
Protein change: p.Pro19Gln; replaces proline 19 with glutamine.
Molecular consequence: missense variant. On other transcripts: non-coding transcript variant (1), 5 prime UTR variant (1).
Genome position (GRCh38, 1-based): chr15:90,102,335, G>T on the plus strand (C>A on the coding strand, the complement: IDH2 is on the minus strand). VCF-style: chr15-90102335-G-T. GRCh37 (hg19) VCF-style: chr15-90645567-G-T.
Other names: c.-77C>A (NM_001290114.2); short protein forms P19Q.
Identifiers: ClinVar variation 3901444 (VCV003901444.1).